The following is an entry in ClinVar:

ClinVar aggregate classification (germline): Pathogenic/Likely pathogenic. Review status: criteria provided, multiple submitters, no conflicts (2 of 4 stars). 4 submissions from 4 submitters: Pathogenic (3); Likely pathogenic (1). Last evaluated 2026-01-28.

Conditions:
Inborn genetic diseases. Identifiers: MedGen C0950123, MeSH D030342.
Intellectual developmental disorder with speech delay, dysmorphic facies, and t-cell abnormalities. Also called: BCL11B-related BAFopathy. Identifiers: Orphanet 662829, MedGen C4748152, MONDO:0060763, OMIM 618092.

Submissions (4):

Ambry Genetics
Classification: Pathogenic for Inborn genetic diseases. Last evaluated: 2026-01-28. Review status: criteria provided, single submitter. Criteria: Ambry Variant Classification Scheme 2023. Collection method: clinical testing. Allele origin: germline.
Comment: The c.2346_2361del16 (p.G783Afs*24) alteration, located in exon 4 (coding exon 4) of the BCL11B gene, consists of a deletion of 16 nucleotides from position 2346 to 2361, causing a translational frameshift with a predicted alternate stop codon after 24 amino acids. This variant is not expected to trigger nonsense-mediated mRNA decay, and impacts the last 12.5% of the protein. Premature stop codons are typically deleterious in nature, the impacted region is critical for protein function, and a significant portion of the protein is affected (Ambry internal data). This variant was not reported in population-based cohorts in the Genome Aggregation Database (gnomAD). This variant was determined to be de novo in at least one individual with features consistent with BCL11B-related neurodevelopmental disorder (Zhao, 2022). Based on the available evidence, this alteration is classified as pathogenic.

GeneDx
Classification: Likely pathogenic. Last evaluated: 2023-12-22. Review status: criteria provided, single submitter. Criteria: GeneDx Variant Classification Process June 2021. Collection method: clinical testing. Allele origin: germline. Affected: yes.
Comment: Frameshift variant predicted to result in abnormal protein length as the last 112 amino acids are replaced with 23 different amino acids, and other similar variants have been reported in HGMD; Not observed at significant frequency in large population cohorts (gnomAD); This variant is associated with the following publications: (PMID: 36275064)

Center for Molecular Medicine, Children’s Hospital of Fudan University
Classification: Pathogenic for Intellectual developmental disorder with speech delay, dysmorphic facies, and t-cell abnormalities. Last evaluated: 2022-05-14. Review status: criteria provided, single submitter. Criteria: ACMG Guidelines, 2015. Collection method: clinical testing. Allele origin: de novo. Affected: yes.

Centre of Medical Genetics, University Hospital Muenster
Classification: Pathogenic. Last evaluated: 2022-05-04. Review status: criteria provided, single submitter. Criteria: ACMG Guidelines, 2015. Collection method: clinical testing. Allele origin: de novo. Affected: yes. Observed: 1 variant allele, 1 heterozygote.
Comment: ACMG categories: PVS1,PS2,PS4

Literature cited by the submitters: PubMed 36275064 (cited by Ambry Genetics).

NM_138576.4(BCL11B):c.2346_2361del (p.Gly783fs)

Gene: BCL11B (BCL11 transcription factor B; minus strand). Cytogenetic location: 14q32.2.
Variant type: Deletion.
Coding change: c.2346_2361del on transcript NM_138576.4 (MANE Select); coding-DNA positions 2346 to 2361, 16 bases deleted (GGGCCCCGGGCGGCCC).
Protein change: p.Gly783fs; shifts the reading frame from glycine 783.
Molecular consequence: frameshift variant.
Genome position (GRCh38, 1-based): chr14:99,174,475-99,174,490, GGGCCGCCCGGGGCCC deleted on the plus strand (GGGCCCCGGGCGGCCC on the coding strand, the reverse complement: BCL11B is on the minus strand); deleting any 16 consecutive bases within chr14:99,174,475-99,174,499 gives the same sequence; the c. name uses the placement nearest the transcript's 3' end. VCF-style (leftmost placement, unchanged base first): chr14-99174474-TGGGCCGCCCGGGGCCC-T. GRCh37 (hg19) VCF-style: chr14-99640811-TGGGCCGCCCGGGGCCC-T.
Other names: c.2346_2361del (NM_138576.3); c.2346_2361del16 (NM_138576.2); c.2343_2358del, p.Gly782fs (NM_001282237.2); c.2130_2145del, p.Gly711fs (NM_001282238.2); c.2133_2148del, p.Gly712fs (NM_022898.3); short protein forms G711fs, G712fs, G782fs, G783fs.
Identifiers: ClinVar variation 1184138 (VCV001184138.7), dbSNP rs2139753299, ClinGen allele CA2499222837.